The following is an entry in ClinVar:

NM_015425.6(POLR1A):c.535G>A (p.Ala179Thr)

Gene: POLR1A (RNA polymerase I subunit A; minus strand). Cytogenetic location: 2p11.2.
Variant type: single nucleotide variant.
Coding change: c.535G>A on transcript NM_015425.6 (MANE Select); coding-DNA position 535, G replaced by A.
Protein change: p.Ala179Thr; replaces alanine 179 with threonine.
Molecular consequence: missense variant.
Genome position (GRCh38, 1-based): chr2:86,089,827, C>T on the plus strand (G>A on the coding strand, the complement: POLR1A is on the minus strand). VCF-style: chr2-86089827-C-T. GRCh37 (hg19) VCF-style: chr2-86316950-C-T.
Other names: short protein forms A179T.
Identifiers: ClinVar variation 1492259 (VCV001492259.6), dbSNP rs758151815, ClinGen allele CA1746642.

ClinVar aggregate classification (germline): Uncertain significance (1 of 4 stars; one submission).

Allele frequency attached by ClinVar (database versions not stated): gnomAD 0.00001; gnomAD exomes 0.00001 and 0.00002; ExAC 0.00002; TOPMed 0.00002.
gnomAD v4.1: 16 of 1,585,814 alleles (0.001%); highest among the groups gnomAD compares: Middle Eastern, 0.017%; no homozygotes.

Submission:

Labcorp Genetics (formerly Invitae), Labcorp
Classification: Uncertain significance. Last evaluated: 2023-06-29. Review status: criteria provided, single submitter. Criteria: Invitae Variant Classification Sherloc (09022015). Collection method: clinical testing. Allele origin: germline.
Comment: This sequence change replaces alanine, which is neutral and non-polar, with threonine, which is neutral and polar, at codon 179 of the POLR1A protein (p.Ala179Thr). This variant is present in population databases (rs758151815, gnomAD 0.004%). This variant has not been reported in the literature in individuals affected with POLR1A-related conditions. ClinVar contains an entry for this variant (Variation ID: 1492259). Advanced modeling of protein sequence and biophysical properties (such as structural, functional, and spatial information, amino acid conservation, physicochemical variation, residue mobility, and thermodynamic stability) performed at Invitae indicates that this missense variant is not expected to disrupt POLR1A protein function. In summary, the available evidence is currently insufficient to determine the role of this variant in disease. Therefore, it has been classified as a Variant of Uncertain Significance.